The following is an entry in ClinVar:

ClinVar aggregate classification (germline): Uncertain significance. Review status: criteria provided, multiple submitters, no conflicts (2 of 4 stars). 2 submissions from 2 submitters: Uncertain significance (2). Last evaluated 2022-12-23.

Conditions:
Autosomal dominant hypocalcemia 1 (HYPOC1). Also called: HYPOCALCEMIA, FAMILIAL. Identifiers: MedGen C3715128, MONDO:0011013, OMIM 601198.
Familial hypocalciuric hypercalcemia (FHH). Also called: Familial benign hypercalcemia. Identifiers: Orphanet 405, MedGen C1809471, MONDO:0018458.
Nephrolithiasis/nephrocalcinosis. Identifiers: MedGen CN580796.

Submissions (2):

Labcorp Genetics (formerly Invitae), Labcorp
Classification: Uncertain significance for Familial hypocalciuric hypercalcemia; Autosomal dominant hypocalcemia 1. Last evaluated: 2022-12-23. Review status: criteria provided, single submitter. Criteria: Invitae Variant Classification Sherloc (09022015). Collection method: clinical testing. Allele origin: germline.
Comment: This sequence change replaces isoleucine, which is neutral and non-polar, with valine, which is neutral and non-polar, at codon 75 of the CASR protein (p.Ile75Val). This variant is not present in population databases (gnomAD no frequency). This variant has not been reported in the literature in individuals affected with CASR-related conditions. ClinVar contains an entry for this variant (Variation ID: 1788236). Algorithms developed to predict the effect of missense changes on protein structure and function (SIFT, PolyPhen-2, Align-GVGD) all suggest that this variant is likely to be tolerated. In summary, the available evidence is currently insufficient to determine the role of this variant in disease. Therefore, it has been classified as a Variant of Uncertain Significance.

Ambry Genetics
Classification: Uncertain significance for Nephrolithiasis/nephrocalcinosis. Last evaluated: 2021-10-20. Review status: criteria provided, single submitter. Criteria: Ambry Variant Classification Scheme 2023. Collection method: clinical testing. Allele origin: germline.
Comment: The p.I75V variant (also known as c.223A>G), located in coding exon 2 of the CASR gene, results from an A to G substitution at nucleotide position 223. The isoleucine at codon 75 is replaced by valine, an amino acid with highly similar properties. This amino acid position is conserved. In addition, this alteration is predicted to be tolerated by in silico analysis. Since supporting evidence is limited at this time, the clinical significance of this alteration remains unclear.

NM_000388.4(CASR):c.223A>G (p.Ile75Val)

Gene: CASR (calcium sensing receptor; plus strand). Cytogenetic location: 3q21.1.
Variant type: single nucleotide variant.
Coding change: c.223A>G on transcript NM_000388.4 (MANE Select); coding-DNA position 223, A replaced by G.
Protein change: p.Ile75Val; replaces isoleucine 75 with valine.
Molecular consequence: missense variant.
Genome position (GRCh38, 1-based): chr3:122,257,118, A>G. VCF-style: chr3-122257118-A-G. GRCh37 (hg19) VCF-style: chr3-121975965-A-G.
Other names: c.223A>G, p.Ile75Val (NM_001178065.2); short protein forms I75V.
Identifiers: ClinVar variation 1788236 (VCV001788236.5), dbSNP rs2473214029, ClinGen allele CA354362423.